The following is an entry in ClinVar:

ClinVar aggregate classification (germline): Uncertain significance (1 of 4 stars; one submission).

Conditions:
Familial hypobetalipoproteinemia 1. Also called: APOB-Related Familial Hypobetalipoproteinemia; Hypobetalipoproteinemia, normotriglyceridemic; Acanthocytosis with hypobetalipoproteinemia. Identifiers: MedGen C4551990, MONDO:0014252, OMIM 615558.
Hypercholesterolemia, autosomal dominant, type B (FHCL2). Also called: APOB-Related Familial Hypercholesterolemia, Autosomal Dominant; Familial hypercholesterolemia 2; Familial Hypercholesterolemia Type B; APOLIPOPROTEIN B-100, FAMILIAL DEFECTIVE; APOLIPOPROTEIN B-100, FAMILIAL LIGAND-DEFECTIVE; HYPERCHOLESTEROLEMIA, FAMILIAL, DUE TO LIGAND-DEFECTIVE APOLIPOPROTEIN B. Identifiers: MedGen C1704417, MONDO:0007751, OMIM 144010.

Submission:

Labcorp Genetics (formerly Invitae), Labcorp
Classification: Uncertain significance for Familial hypobetalipoproteinemia 1; Hypercholesterolemia, autosomal dominant, type B. Last evaluated: 2026-01-04. Review status: criteria provided, single submitter. Criteria: Invitae Variant Classification Sherloc (09022015). Collection method: clinical testing. Allele origin: germline.
Comment: This sequence change creates a premature translational stop signal (p.Phe4345Hisfs*7) in the APOB gene. While this is not anticipated to result in nonsense mediated decay, it is expected to disrupt the last 219 amino acid(s) of the APOB protein. This variant is present in population databases (no rsID available, gnomAD 0.01%). This variant has not been reported in the literature in individuals affected with APOB-related conditions. Experimental studies and prediction algorithms are not available or were not evaluated, and the functional significance of this variant is currently unknown. This variant disrupts a region of the APOB protein in which other variant(s) (p.Tyr4380*) have been observed in individuals with APOB-related conditions (internal data). This suggests that this is a clinically significant region of the protein, and that variants that disrupt it are likely to be disease-causing. In summary, the available evidence is currently insufficient to determine the role of this variant in disease. Therefore, it has been classified as a Variant of Uncertain Significance.

NM_000384.3(APOB):c.13024_13031dup (p.Phe4345fs)

Gene: APOB (apolipoprotein B; minus strand). Cytogenetic location: 2p24.1.
Variant type: Duplication.
Coding change: c.13024_13031dup on transcript NM_000384.3 (MANE Select); coding-DNA positions 13024 to 13031, 8 bases duplicated (CCATATGT; older notation c.13024_13031dupCCATATGT).
Protein change: p.Phe4345fs; shifts the reading frame from phenylalanine 4345.
Molecular consequence: frameshift variant.
Genome position (GRCh38, 1-based): chr2:21,002,391-21,002,398, ACATATGG duplicated on the plus strand (CCATATGT on the coding strand, the reverse complement: APOB is on the minus strand). VCF-style (leftmost placement, unchanged base first): chr2-21002390-A-AACATATGG. GRCh37 (hg19) VCF-style: chr2-21225262-A-AACATATGG.
Other names: short protein forms F4345fs.
Identifiers: ClinVar variation 4783272 (VCV004783272.1).
Genomic context (GRCh38, chr2:21,002,390, plus strand): 5'-TTGAATAAATTCATTGAACTTATGAAGATTAAGGCATAGGTTTTCTTTCAACAATTTAAA[A>AACATATGG]ACATATGGGATATAATCACTGAAGATTGTGTTGATCTCATCTTGGATATAATTAATAAGA-3'